The following is an entry in ClinVar:

ClinVar aggregate classification (germline): Pathogenic/Likely pathogenic. Review status: criteria provided, multiple submitters, no conflicts (2 of 4 stars). 9 submissions from 9 submitters: Pathogenic (8); Likely pathogenic (1). Last evaluated 2025-09-26.

Conditions:
Congenital myopathy with fiber type disproportion. Also called: Congenital fiber-type disproportion myopathy; Congenital fiber-type disproportion. Identifiers: Orphanet 2020, MedGen C0546264, MONDO:0009711. Inheritance: all.
King Denborough syndrome (KDS). Identifiers: MedGen C1840365, MONDO:0020485, OMIM 619542.
Malignant hyperthermia, susceptibility to, 1 (MHS1). Also called: Anesthesia related hyperthermia; Malignant hyperpyrexia; Fulminating hyperpyrexia; Pharmacogenic myopathy; RYR1-Related Malignant Hyperthermia Susceptibility; Malignant hyperthermia suceptibility 1. Identifiers: Orphanet 423, MedGen C2930980, MONDO:0007783, OMIM 145600.
Congenital multicore myopathy with external ophthalmoplegia (CMYO1B). Also called: MULTIMINICORE DISEASE WITH EXTERNAL OPHTHALMOPLEGIA; Minicore myopathy with external ophthalmoplegia; MULTICORE MYOPATHY; Congenital myopathy 1B, autosomal recessive; Minicore myopathy. Identifiers: Orphanet 598, Orphanet 98905, MedGen C1850674, MONDO:0009712, OMIM 255320, HP:0003789.
Central core myopathy (CMYO1A). Also called: CONGENITAL MYOPATHY 1A, AUTOSOMAL DOMINANT, WITH SUSCEPTIBILITY TO MALIGNANT HYPERTHERMIA; Central core disease; Myopathy, central fibrillar. Identifiers: Orphanet 597, MedGen C5830701, MONDO:0007294, OMIM 117000.
RYR1-related disorder. Also called: RYR1-related disorders; RYR1-related condition. Identifiers: MedGen CN239331.

Allele frequency attached by ClinVar (database versions not stated): ExAC 0.00001; gnomAD exomes 0.00001 and 0.00003.
gnomAD v4.1: 10 of 1,614,042 alleles (0.00062%); highest among the groups gnomAD compares: Admixed American, 0.01%; no homozygotes.

Submissions (9):

Labcorp Genetics (formerly Invitae), Labcorp
Classification: Pathogenic for RYR1-related disorder. Last evaluated: 2025-09-26. Review status: criteria provided, single submitter. Criteria: Invitae Variant Classification Sherloc (09022015). Collection method: clinical testing. Allele origin: germline.
Comment: This sequence change creates a premature translational stop signal (p.Arg3283*) in the RYR1 gene. It is expected to result in an absent or disrupted protein product. Loss-of-function variants in RYR1 are known to be pathogenic (PMID: 23919265, 25960145, 28818389, 30611313). This variant is present in population databases (rs752199191, gnomAD 0.01%). This premature translational stop signal has been observed in individual(s) with autosomal recessive multiminicore disease (PMID: 23919265). ClinVar contains an entry for this variant (Variation ID: 523793). For these reasons, this variant has been classified as Pathogenic.

Revvity Omics, Revvity
Classification: Pathogenic. Last evaluated: 2025-05-14. Review status: criteria provided, single submitter. Criteria: ACMG Guidelines, 2015. Collection method: clinical testing. Allele origin: germline.

3billion
Classification: Pathogenic for Congenital multicore myopathy with external ophthalmoplegia. Last evaluated: 2025-03-27. Review status: criteria provided, single submitter. Criteria: ACMG Guidelines, 2015. Collection method: clinical testing. Allele origin: germline. Affected: yes.

GeneDx
Classification: Pathogenic. Last evaluated: 2023-11-08. Review status: criteria provided, single submitter. Criteria: GeneDx Variant Classification Process June 2021. Collection method: clinical testing. Allele origin: germline. Affected: yes.
Comment: Identified in two siblings with multiminicore disease who were also found to harbor a second RYR1 variant and testing of one parent suggests the variants are likely present on opposite alleles (in trans) (PMID: 23919265); Nonsense variant predicted to result in protein truncation or nonsense mediated decay in a gene for which loss of function is a known mechanism of disease; Not observed at significant frequency in large population cohorts (gnomAD); This variant is associated with the following publications: (PMID: 33146414, 23919265)

Athena Diagnostics
Classification: Likely pathogenic. Last evaluated: 2023-05-24. Review status: criteria provided, single submitter. Criteria: Athena Diagnostics Criteria. Collection method: clinical testing. Allele origin: unknown.
Comment: This variant is expected to result in the loss of a functional protein. The frequency of this variant in the general population is consistent with pathogenicity. This variant appears to segregate with autosomal recessive RYR1-related myopathy in at least one family.

Fulgent Genetics
Classification: Pathogenic for Central core myopathy; Malignant hyperthermia, susceptibility to, 1; Congenital myopathy 4A, autosomal dominant; Congenital multicore myopathy with external ophthalmoplegia; King Denborough syndrome. Last evaluated: 2022-02-07. Review status: criteria provided, single submitter. Criteria: ACMG Guidelines, 2015. Collection method: clinical testing. Allele origin: unknown.

CENTOGENE GmbH and LLC - Guiding Precision Medicine
Classification: Pathogenic for Congenital multicore myopathy with external ophthalmoplegia. Last evaluated: 2021-11-11. Review status: criteria provided, single submitter. Criteria: ACMG Guidelines, 2015. Collection method: clinical testing. Allele origin: germline. Affected: yes.

PreventionGenetics, part of Exact Sciences
Classification: Pathogenic. Last evaluated: 2015-09-01. Review status: criteria provided, single submitter. Criteria: ACMG Guidelines, 2015. Collection method: clinical testing. Allele origin: germline.

Lifecell International Pvt. Ltd
Classification: Pathogenic for Congenital multicore myopathy with external ophthalmoplegia. Review status: criteria provided, single submitter. Criteria: ACMG Guidelines, 2015. Collection method: clinical testing. Allele origin: germline. Inheritance: Autosomal recessive inheritance. Affected: yes. Observed: 1 compound heterozygote.
Comment: A Heterozygous Nonsense variant c.9847C>T in Exon 66 of the RYR1 gene that results in the amino acid substitution p.Arg3283* was identified. The observed variant has a minor allele frequency of 0.00003% in gnomAD exomes and genomes, respectively. The severity of the impact of this variant on the protein is high, based on the effect of the protein and REVEL score. Rare Exome Variant Ensemble Learner (REVEL) is an ensembl method for predicting the pathogenicity of missense variants based on a combination of scores from 13 individual tools: MutPred, FATHMM v2.3, VEST 3.0, PolyPhen-2, SIFT, PROVEAN, MutationAssessor, MutationTaster, LRT, GERP++, SiPhy, phyloP, and phastCons. The REVEL score for an individual missense variant can range from 0 to 1, with higher scores reflecting greater likelihood that the variant is disease-causing. ClinVar has also classified this variant as Pathogenic (Variation ID: 523793). The variant has been previously reported by Clarke NF, et al., 2010. This sequence change creates a premature translational stop signal (p.Arg3283*) in the RYR1 gene and result in an absent or disrupted protein product. Based on the above evidence this variant has been classified as Pathogenic according to the ACMG guidelines.

Literature cited by the submitters: PubMed 23919265 (cited by 3 submitters); PubMed 25960145 (cited by Labcorp Genetics (formerly Invitae), Labcorp); PubMed 28818389 (cited by Labcorp Genetics (formerly Invitae), Labcorp); PubMed 30611313 (cited by Labcorp Genetics (formerly Invitae), Labcorp); PubMed 33146414 (cited by Athena Diagnostics); PubMed 20583297 (cited by Lifecell International Pvt. Ltd).

NM_000540.3(RYR1):c.9847C>T (p.Arg3283Ter)

Gene: RYR1 (ryanodine receptor 1; plus strand). Cytogenetic location: 19q13.2.
Variant type: single nucleotide variant.
Coding change: c.9847C>T on transcript NM_000540.3 (MANE Select); coding-DNA position 9847, C replaced by T.
Protein change: p.Arg3283Ter; replaces arginine 3283 with a stop codon.
Molecular consequence: nonsense.
Genome position (GRCh38, 1-based): chr19:38,517,520, C>T. VCF-style: chr19-38517520-C-T. GRCh37 (hg19) VCF-style: chr19-39008160-C-T.
Other names: c.9847C>T, p.Arg3283Ter (NM_001042723.2); short protein forms R3283*.
Identifiers: ClinVar variation 523793 (VCV000523793.20), dbSNP rs752199191, ClinGen allele CA074223.